The following is an entry in ClinVar:

ClinVar aggregate classification (germline): Uncertain significance (1 of 4 stars; one submission).

Submission:

Labcorp Genetics (formerly Invitae), Labcorp
Classification: Uncertain significance. Last evaluated: 2024-01-25. Review status: criteria provided, single submitter. Criteria: Invitae Variant Classification Sherloc (09022015). Collection method: clinical testing. Allele origin: germline.
Comment: This sequence change replaces leucine, which is neutral and non-polar, with valine, which is neutral and non-polar, at codon 2671 of the UNC80 protein (p.Leu2671Val). This variant is not present in population databases (gnomAD no frequency). This variant has not been reported in the literature in individuals affected with UNC80-related conditions. ClinVar contains an entry for this variant (Variation ID: 2004939). Advanced modeling of protein sequence and biophysical properties (such as structural, functional, and spatial information, amino acid conservation, physicochemical variation, residue mobility, and thermodynamic stability) performed at Invitae indicates that this missense variant is not expected to disrupt UNC80 protein function with a negative predictive value of 80%. In summary, the available evidence is currently insufficient to determine the role of this variant in disease. Therefore, it has been classified as a Variant of Uncertain Significance.

NM_001371986.1(UNC80):c.8209C>G (p.Leu2737Val)

Gene: UNC80 (unc-80 homolog, NALCN channel complex subunit; plus strand). Cytogenetic location: 2q34.
Variant type: single nucleotide variant.
Coding change: c.8209C>G on transcript NM_001371986.1 (MANE Select); coding-DNA position 8209, C replaced by G.
Protein change: p.Leu2737Val; replaces leucine 2737 with valine.
Molecular consequence: missense variant.
Genome position (GRCh38, 1-based): chr2:209,970,910, C>G. VCF-style: chr2-209970910-C-G. GRCh37 (hg19) VCF-style: chr2-210835634-C-G.
Other names: c.7996C>G, p.Leu2666Val (NM_182587.4); c.8011C>G, p.Leu2671Val (NM_032504.2); short protein forms L2671V, L2737V, L2666V.
Identifiers: ClinVar variation 2004939 (VCV002004939.3), dbSNP rs2471224016, ClinGen allele CA350412696.